The following is an entry in ClinVar:

ClinVar aggregate classification (germline): Pathogenic. Review status: reviewed by expert panel (3 of 4 stars). 2 submissions from 2 submitters: Pathogenic (1). 1 of the submissions does not count toward it. Last evaluated 2016-09-08.

Conditions:
Breast-ovarian cancer, familial, susceptibility to, 1 (BROVCA1). Also called: BRCA1 Hereditary Breast and Ovarian Cancer; OVARIAN CANCER, SUSCEPTIBILITY TO. Identifiers: Orphanet 145, MedGen C2676676, MONDO:0011450, OMIM 604370. Disease mechanism: loss of function.

Submissions (2):

Evidence-based Network for the Interpretation of Germline Mutant Alleles (ENIGMA)
Classification: Pathogenic for Breast-ovarian cancer, familial, susceptibility to, 1. Last evaluated: 2016-09-08. Review status: reviewed by expert panel. Criteria: ENIGMA BRCA1/2 Classification Criteria (2015). Collection method: curation. Allele origin: germline.
Comment: Variant allele predicted to encode a truncated non-functional protein.

Breast Cancer Information Core (BIC) (BRCA1)
Classification: Pathogenic for Breast-ovarian cancer, familial 1. Last evaluated: 1999-04-12. Review status: no assertion criteria provided. Collection method: clinical testing. Allele origin: germline. Affected: yes. Observed: 1 variant allele. Not counted in ClinVar's aggregate classification.

NM_007294.4(BRCA1):c.4111_4112insATCT (p.Gly1371fs)

Gene: BRCA1 (BRCA1 DNA repair associated; minus strand). Cytogenetic location: 17q21.31.
Variant type: Insertion.
Coding change: c.4111_4112insATCT on transcript NM_007294.4 (MANE Select); coding-DNA positions 4111 to 4112, ATCT inserted.
Protein change: p.Gly1371fs; shifts the reading frame from glycine 1371.
Molecular consequence: frameshift variant. On other transcripts: non-coding transcript variant (1).
Genome position: GRCh38 VCF-style: chr17-43091017-C-CAGAT. GRCh37 (hg19) VCF-style: chr17-41243034-C-CAGAT.
Other names: 4230ins4; c.724_725insATCT, p.Gly242Aspfs (NM_001408411.1, NM_001408412.1, NM_001408414.1 and 2 more transcripts); c.721_722insATCT, p.Gly241Aspfs (NM_001408413.1, NM_001408416.1); c.685_686insATCT, p.Gly229Aspfs (NM_001408418.1, NM_001408419.1, NM_001408420.1 and 2 more transcripts); c.682_683insATCT, p.Gly228Aspfs (NM_001408421.1, NM_001408424.1, NM_001408431.1); c.679_680insATCT, p.Gly227Aspfs (NM_001408425.1, NM_001408426.1, NM_001408427.1 and 12 more transcripts); c.676_677insATCT, p.Gly226Aspfs (NM_001408432.1, NM_001408433.1, NM_001408434.1 and 6 more transcripts); c.667_668insATCT, p.Gly223Aspfs (NM_001408451.1); and 45 more; short protein forms G268fs, G1324fs, G1371fs.
Identifiers: ClinVar variation 125679 (VCV000125679.3), dbSNP rs80357935, ClinGen allele CA002632.